The following is an entry in ClinVar:

ClinVar aggregate classification (germline): Uncertain significance (1 of 4 stars; one submission).

Submission:

Labcorp Genetics (formerly Invitae), Labcorp
Classification: Uncertain significance. Last evaluated: 2022-05-15. Review status: criteria provided, single submitter. Criteria: Invitae Variant Classification Sherloc (09022015). Collection method: clinical testing. Allele origin: germline.
Comment: This variant is not present in population databases (gnomAD no frequency). In summary, the available evidence is currently insufficient to determine the role of this variant in disease. Therefore, it has been classified as a Variant of Uncertain Significance. This variant has not been reported in the literature in individuals affected with SNIP1-related conditions. This sequence change creates a premature translational stop signal (p.Lys106*) in the SNIP1 gene. It is expected to result in an absent or disrupted protein product. However, the current clinical and genetic evidence is not sufficient to establish whether loss-of-function variants in SNIP1 cause disease.

NM_024700.4(SNIP1):c.316A>T (p.Lys106Ter)

Gene: SNIP1 (Smad nuclear interacting protein 1; minus strand). Cytogenetic location: 1p34.3.
Variant type: single nucleotide variant.
Coding change: c.316A>T on transcript NM_024700.4 (MANE Select); coding-DNA position 316, A replaced by T.
Protein change: p.Lys106Ter; replaces lysine 106 with a stop codon.
Molecular consequence: nonsense.
Genome position (GRCh38, 1-based): chr1:37,552,656, T>A on the plus strand (A>T on the coding strand, the complement: SNIP1 is on the minus strand). VCF-style: chr1-37552656-T-A. GRCh37 (hg19) VCF-style: chr1-38018257-T-A.
Other names: short protein forms K106*.
Identifiers: ClinVar variation 1994969 (VCV001994969.4), dbSNP rs2522384510, ClinGen allele CA339429193.